The following is an entry in ClinVar:

NM_019844.4(SLCO1B3):c.1136-13_1136-9del

Genes: SLCO1B3 (solute carrier organic anion transporter family member 1B3; plus strand), SLCO1B3-SLCO1B7 (SLCO1B3-SLCO1B7 readthrough; plus strand). Cytogenetic location: 12p12.2.
Variant type: Deletion.
Coding change: c.1136-13_1136-9del on transcript NM_019844.4 (MANE Select); 13 bases into the intron before coding-DNA position 1136 through 9 bases into the intron before coding-DNA position 1136, 5 bases deleted (CTTTT; older notation c.1136-13_1136-9delCTTTT).
Molecular consequence: intron variant.
Genome position (GRCh38, 1-based): chr12:20,879,423-20,879,427, CTTTT deleted; deleting any 5 consecutive bases within chr12:20,879,421-20,879,427 gives the same sequence; the c. name uses the placement nearest the transcript's 3' end. VCF-style (leftmost placement, unchanged base first): chr12-20879420-CTTCTT-C. GRCh37 (hg19) VCF-style: chr12-21032354-CTTCTT-C.
Other names: c.1052-13_1052-9del (NM_001349920.2); c.1136-13_1136-9del (NM_001371097.1).
Identifiers: ClinVar variation 3048853 (VCV003048853.2), dbSNP rs540257782, ClinGen allele CA6475471.

ClinVar aggregate classification (germline): Likely benign (0 of 4 stars; one submission).

Conditions:
SLCO1B3-related disorder. Also called: SLCO1B3-related condition.

Submission:

PreventionGenetics, part of Exact Sciences
Classification: Likely benign for SLCO1B3-related condition. Last evaluated: 2021-03-10. Review status: no assertion criteria provided. Collection method: clinical testing. Allele origin: germline.
Comment: This variant is classified as likely benign based on ACMG/AMP sequence variant interpretation guidelines (Richards et al. 2015 PMID: 25741868, with internal and published modifications).